The following is an entry in ClinVar:

ClinVar aggregate classification (germline): Pathogenic (1 of 4 stars; one submission).

Submission:

GeneDx
Classification: Pathogenic. Last evaluated: 2023-09-05. Review status: criteria provided, single submitter. Criteria: GeneDx Variant Classification Process June 2021. Collection method: clinical testing. Allele origin: germline. Affected: yes.
Comment: Nonsense variant predicted to result in protein truncation or nonsense mediated decay in a gene for which loss of function is a known mechanism of disease; Not observed at significant frequency in large population cohorts (gnomAD); Has not been previously published as pathogenic or benign to our knowledge

NM_001379110.1(SLC9A6):c.1570C>T (p.Gln524Ter)

Gene: SLC9A6 (solute carrier family 9 member A6; plus strand). Cytogenetic location: Xq26.3.
Variant type: single nucleotide variant.
Coding change: c.1570C>T on transcript NM_001379110.1 (MANE Select); coding-DNA position 1570, C replaced by T.
Protein change: p.Gln524Ter; replaces glutamine 524 with a stop codon.
Molecular consequence: nonsense.
Genome position (GRCh38, 1-based): chrX:136,030,151, C>T. VCF-style: chrX-136030151-C-T. GRCh37 (hg19) VCF-style: chrX-135112310-C-T.
Other names: c.1636C>T, p.Gln546Ter (NM_001042537.2); c.1480C>T, p.Gln494Ter (NM_001177651.2, NM_001400909.1, NM_001400910.1 and 2 more transcripts); c.1384C>T, p.Gln462Ter (NM_001330652.2, NM_001400913.1); c.1540C>T, p.Gln514Ter (NM_006359.3); short protein forms Q494*, Q514*, Q524*, Q546*, Q462*.
Identifiers: ClinVar variation 2579526 (VCV002579526.1), dbSNP rs2521409119, ClinGen allele CA414755091.